The following is an entry in ClinVar:

ClinVar aggregate classification (germline): Pathogenic. Review status: criteria provided, multiple submitters, no conflicts (2 of 4 stars). 3 submissions from 3 submitters: Pathogenic (3). Last evaluated 2025-10-31.

Conditions:
Hearing loss, autosomal recessive. Also called: Deafness, autosomal recessive; Nonsyndromic Hearing Loss, Recessive; Autosomal recessive nonsyndromic deafness; Rare autosomal recessive non-syndromic sensorineural deafness type DFNB. Identifiers: Orphanet 90635, Orphanet 90636, MedGen C1846647, MONDO:0019588, OMIM 607197.
Autosomal recessive nonsyndromic hearing loss 28. Identifiers: Orphanet 90636, MedGen C1853276, MONDO:0012355, OMIM 609823.

gnomAD v4.1: 6 of 1,606,852 alleles (0.00037%); highest among the groups gnomAD compares: Admixed American, 0.0084%; no homozygotes.

Submissions (3):

Labcorp Genetics (formerly Invitae), Labcorp
Classification: Pathogenic. Last evaluated: 2025-10-31. Review status: criteria provided, single submitter. Criteria: Invitae Variant Classification Sherloc (09022015). Collection method: clinical testing. Allele origin: germline.
Comment: This sequence change creates a premature translational stop signal (p.Gln1099*) in the TRIOBP gene. It is expected to result in an absent or disrupted protein product. Loss-of-function variants in TRIOBP are known to be pathogenic (PMID: 16385457, 16385458, 20510926). This variant is present in population databases (rs777561677, gnomAD 0.006%). This variant has not been reported in the literature in individuals affected with TRIOBP-related conditions. ClinVar contains an entry for this variant (Variation ID: 2979806). For these reasons, this variant has been classified as Pathogenic.

3billion
Classification: Pathogenic for Autosomal recessive nonsyndromic hearing loss 28. Last evaluated: 2025-05-17. Review status: criteria provided, single submitter. Criteria: ACMG Guidelines, 2015. Collection method: clinical testing. Allele origin: germline. Affected: yes.
Comment: The variant is observed at an extremely low frequency in the gnomAD v4.1.0 dataset (total allele frequency: <0.001%). Predicted Consequence/Location: Stop-gained (nonsense): predicted to result in a loss or disruption of normal protein function through nonsense-mediated decay (NMD) or protein truncation. Multiple pathogenic variants are reported downstream of the variant. The variant has been reported at least twice as pathogenic without evidence for the classification (ClinVar ID: VCV002979806). Therefore, this variant is classified as Pathogenic according to the recommendation of ACMG/AMP guideline.

Laboratory of Human Genetics, Universidade de São Paulo
Classification: Pathogenic for Hearing loss, autosomal recessive. Last evaluated: 2024-05-01. Review status: criteria provided, single submitter. Criteria: ClinGen HL ACMG Specifications v1. Collection method: research. Allele origin: biparental. Affected: yes. Observed: 1 variant allele.
Comment: The TRIOBP NM_001039141.3:c.3295C>T variant is a null variant in a gene where loss of function is a known mechanism of disease (PVS1), it is associated with a recessive disorder, detected in trans with a pathogenic variant, in homozygous state in affected cases (PM3), has Extremely low frequency in gnomAD population databases (PM2).

Literature cited by the submitters: PubMed 16385457 (cited by Labcorp Genetics (formerly Invitae), Labcorp); PubMed 16385458 (cited by Labcorp Genetics (formerly Invitae), Labcorp); PubMed 20510926 (cited by Labcorp Genetics (formerly Invitae), Labcorp).

NM_001039141.3(TRIOBP):c.3295C>T (p.Gln1099Ter)

Gene: TRIOBP (TRIO and F-actin binding protein; plus strand). Cytogenetic location: 22q13.1.
Variant type: single nucleotide variant.
Coding change: c.3295C>T on transcript NM_001039141.3 (MANE Select); coding-DNA position 3295, C replaced by T.
Protein change: p.Gln1099Ter; replaces glutamine 1099 with a stop codon.
Molecular consequence: nonsense.
Genome position (GRCh38, 1-based): chr22:37,725,851, C>T. VCF-style: chr22-37725851-C-T. GRCh37 (hg19) VCF-style: chr22-38121858-C-T.
Other names: short protein forms Q1099*.
Identifiers: ClinVar variation 2979806 (VCV002979806.5), dbSNP rs777561677, ClinGen allele CA324136000.